The following is an entry in ClinVar:

NM_005076.5(CNTN2):c.940C>T (p.Arg314Ter)

Gene: CNTN2 (contactin 2; plus strand). Cytogenetic location: 1q32.1.
Variant type: single nucleotide variant.
Coding change: c.940C>T on transcript NM_005076.5 (MANE Select); coding-DNA position 940, C replaced by T.
Protein change: p.Arg314Ter; replaces arginine 314 with a stop codon.
Molecular consequence: nonsense. On other transcripts: non-coding transcript variant (1).
Genome position (GRCh38, 1-based): chr1:205,061,387, C>T. VCF-style: chr1-205061387-C-T. GRCh37 (hg19) VCF-style: chr1-205030515-C-T.
Other names: c.940C>T, p.Arg314Ter (NM_001346083.2); short protein forms R314*.
Identifiers: ClinVar variation 992243 (VCV000992243.8), dbSNP rs1422381117, ClinGen allele CA344409704.

ClinVar aggregate classification (germline): Pathogenic. Review status: criteria provided, multiple submitters, no conflicts (2 of 4 stars). 2 submissions from 2 submitters: Pathogenic (2). Last evaluated 2025-01-22.

Conditions:
Epilepsy, familial adult myoclonic, 5 (EPEO5). Also called: CORTICAL MYOCLONIC TREMOR WITH EPILEPSY, FAMILIAL, 5. Identifiers: Orphanet 86814, MedGen C3809374, MONDO:0014167, OMIM 615400.

Allele frequency attached by ClinVar (database versions not stated): gnomAD exomes below 0.00001; gnomAD 0.00001; TOPMed 0.00002.

Submissions (2):

Women's Health and Genetics/Laboratory Corporation of America, LabCorp
Classification: Pathogenic for Epilepsy, familial adult myoclonic, 5. Last evaluated: 2025-01-22. Review status: criteria provided, single submitter. Criteria: LabCorp Variant Classification Summary - May 2015. Collection method: clinical testing. Allele origin: germline.
Comment: Variant summary: CNTN2 c.940C>T (p.Arg314X) results in a premature termination codon, predicted to cause a truncation of the encoded protein or absence of the protein due to nonsense mediated decay, which are commonly known mechanisms for disease. The variant was absent in 246806 control chromosomes. To our knowledge, no occurrence of c.940C>T in individuals affected with Epilepsy, Familial Adult Myoclonic, 5 and no experimental evidence demonstrating its impact on protein function have been reported. ClinVar contains an entry for this variant (Variation ID: 992243). Based on the evidence outlined above, the variant was classified as pathogenic.

Labcorp Genetics (formerly Invitae), Labcorp
Classification: Pathogenic for Epilepsy, familial adult myoclonic, 5. Last evaluated: 2024-06-05. Review status: criteria provided, single submitter. Criteria: Invitae Variant Classification Sherloc (09022015). Collection method: clinical testing. Allele origin: germline.
Comment: This sequence change creates a premature translational stop signal (p.Arg314*) in the CNTN2 gene. It is expected to result in an absent or disrupted protein product. Loss-of-function variants in CNTN2 are known to be pathogenic (PMID: 11178983, 23518707). This variant is not present in population databases (gnomAD no frequency). This premature translational stop signal has been observed in individual(s) with epileptic encephalopathy and global developmental delay (PMID: 36553572). ClinVar contains an entry for this variant (Variation ID: 992243). For these reasons, this variant has been classified as Pathogenic.

Literature cited by the submitters: PubMed 11178983 (cited by Labcorp Genetics (formerly Invitae), Labcorp); PubMed 23518707 (cited by Labcorp Genetics (formerly Invitae), Labcorp); PubMed 36553572 (cited by Labcorp Genetics (formerly Invitae), Labcorp).